The following is an entry in ClinVar:

NM_001346754.2(PIGW):c.424A>G (p.Ile142Val)

Genes: MYO19 (myosin XIX; minus strand), PIGW (phosphatidylinositol glycan anchor biosynthesis class W; plus strand). Cytogenetic location: 17q12.
Variant type: single nucleotide variant.
Coding change: c.424A>G on transcript NM_001346754.2 (MANE Select); coding-DNA position 424, A replaced by G.
Protein change: p.Ile142Val; replaces isoleucine 142 with valine.
Molecular consequence: missense variant.
Genome position (GRCh38, 1-based): chr17:36,537,525, A>G. VCF-style: chr17-36537525-A-G. GRCh37 (hg19) VCF-style: chr17-34893374-A-G.
Other names: c.424A>G, p.Ile142Val (NM_001346755.2, NM_178517.5); short protein forms I142V.
Identifiers: ClinVar variation 1003144 (VCV001003144.13), dbSNP rs1156430576, ClinGen allele CA399162645.
Genomic context (GRCh38, chr17:36,537,525, plus strand): 5'-GAATCAGAATACAATCCAGCCATCTCCTGTTTCCGTGTAATTACCAGTGCGTTTACTGCT[A>G]TTGCTATTTTGGCTGTGGACTTCCCACTTTTTCCCAGAAGATTTGCCAAAACTGAGCTCT-3'
Protein context (NP_001333683.1, residues 132-152): FRVITSAFTA[Ile142Val]AILAVDFPLF

ClinVar aggregate classification (germline): Uncertain significance (1 of 4 stars; one submission).

Conditions:
Hyperphosphatasia with intellectual disability syndrome 5 (GPIBD11). Also called: GLYCOSYLPHOSPHATIDYLINOSITOL BIOSYNTHESIS DEFECT 11. Identifiers: Orphanet 247262, MedGen C4014958, MONDO:0014457, OMIM 616025.

Allele frequency attached by ClinVar (database versions not stated): gnomAD 0.00001; gnomAD exomes 0.00001; TOPMed 0.00001.
gnomAD v4.1: 16 of 1,613,958 alleles (0.00099%); highest among the groups gnomAD compares: Non-Finnish European, 0.0012%; no homozygotes.

Submission:

Labcorp Genetics (formerly Invitae), Labcorp
Classification: Uncertain significance for Hyperphosphatasia with intellectual disability syndrome 5. Last evaluated: 2022-07-05. Review status: criteria provided, single submitter. Criteria: Invitae Variant Classification Sherloc (09022015). Collection method: clinical testing. Allele origin: germline.
Comment: ClinVar contains an entry for this variant (Variation ID: 1003144). In summary, the available evidence is currently insufficient to determine the role of this variant in disease. Therefore, it has been classified as a Variant of Uncertain Significance. Algorithms developed to predict the effect of missense changes on protein structure and function output the following: SIFT: "Tolerated"; PolyPhen-2: "Benign"; Align-GVGD: "Class C0". The valine amino acid residue is found in multiple mammalian species, which suggests that this missense change does not adversely affect protein function. This variant has not been reported in the literature in individuals affected with PIGW-related conditions. This variant is present in population databases (no rsID available, gnomAD 0.01%). This sequence change replaces isoleucine, which is neutral and non-polar, with valine, which is neutral and non-polar, at codon 142 of the PIGW protein (p.Ile142Val).